The following is an entry in ClinVar:

ClinVar aggregate classification (germline): Likely benign. Review status: criteria provided, single submitter (1 of 4 stars). 2 submissions from 2 submitters: Likely benign (1). 1 of the submissions does not count toward it. Last evaluated 2018-08-14.

Conditions:
DNAH1-related disorder. Also called: DNAH1-related condition.

Allele frequency attached by ClinVar (database versions not stated): gnomAD exomes 0.00001 and 0.00003; gnomAD 0.00003; ExAC 0.00009; 1000 Genomes Project 30x 0.00016; 1000 Genomes Project 0.00020.
gnomAD v4.1: 20 of 1,604,432 alleles (0.0012%); highest among the groups gnomAD compares: East Asian, 0.0023%; no homozygotes.

Submissions (2):

Labcorp Genetics (formerly Invitae), Labcorp
Classification: Likely benign. Last evaluated: 2018-08-14. Review status: criteria provided, single submitter. Criteria: Invitae Variant Classification Sherloc (09022015). Collection method: clinical testing. Allele origin: germline.

PreventionGenetics, part of Exact Sciences
Classification: Likely benign for DNAH1-related condition. Last evaluated: 2019-10-11. Review status: no assertion criteria provided. Collection method: clinical testing. Allele origin: germline. Not counted in ClinVar's aggregate classification.
Comment: This variant is classified as likely benign based on ACMG/AMP sequence variant interpretation guidelines (Richards et al. 2015 PMID: 25741868, with internal and published modifications).

NM_015512.5(DNAH1):c.8370C>T (p.Ile2790=)

Gene: DNAH1 (dynein axonemal heavy chain 1; plus strand). Cytogenetic location: 3p21.1.
Variant type: single nucleotide variant.
Coding change: c.8370C>T on transcript NM_015512.5 (MANE Select); coding-DNA position 8370, C replaced by T.
Protein change: p.Ile2790=; no amino-acid change (isoleucine 2790 retained).
Molecular consequence: synonymous variant.
Genome position (GRCh38, 1-based): chr3:52,384,833, C>T. VCF-style: chr3-52384833-C-T. GRCh37 (hg19) VCF-style: chr3-52418849-C-T.
Identifiers: ClinVar variation 750889 (VCV000750889.5), dbSNP rs555969561, ClinGen allele CA2435192.